The following is an entry in ClinVar:

ClinVar aggregate classification (germline): Uncertain significance (1 of 4 stars; one submission).

Allele frequency attached by ClinVar (database versions not stated): gnomAD exomes 0.00002; TOPMed 0.00002.
gnomAD v4.1: 31 of 1,576,228 alleles (0.002%); highest among the groups gnomAD compares: Non-Finnish European, 0.0027%; no homozygotes.

Submission:

Labcorp Genetics (formerly Invitae), Labcorp
Classification: Uncertain significance. Last evaluated: 2025-12-29. Review status: criteria provided, single submitter. Criteria: Invitae Variant Classification Sherloc (09022015). Collection method: clinical testing. Allele origin: germline.
Comment: This sequence change replaces serine, which is neutral and polar, with asparagine, which is neutral and polar, at codon 837 of the SYNPO protein (p.Ser837Asn). The frequency data for this variant in the population databases is considered unreliable, as metrics indicate poor data quality at this position in the gnomAD database. This variant has not been reported in the literature in individuals affected with SYNPO-related conditions. ClinVar contains an entry for this variant (Variation ID: 2875641). An algorithm developed to predict the effect of missense changes on protein structure and function (PolyPhen-2) suggests that this variant is likely to be tolerated. In summary, the available evidence is currently insufficient to determine the role of this variant in disease. Therefore, it has been classified as a Variant of Uncertain Significance.

NM_007286.6(SYNPO):c.2510G>A (p.Ser837Asn)

Gene: SYNPO (synaptopodin; plus strand). Cytogenetic location: 5q33.1.
Variant type: single nucleotide variant.
Coding change: c.2510G>A on transcript NM_007286.6 (MANE Select); coding-DNA position 2510, G replaced by A.
Protein change: p.Ser837Asn; replaces serine 837 with asparagine.
Molecular consequence: missense variant.
Genome position (GRCh38, 1-based): chr5:150,656,885, G>A. VCF-style: chr5-150656885-G-A. GRCh37 (hg19) VCF-style: chr5-150036447-G-A.
Other names: short protein forms S837N.
Identifiers: ClinVar variation 2875641 (VCV002875641.3), dbSNP rs1008262387, ClinGen allele CA129156323.
Genomic context (GRCh38, chr5:150,656,885, plus strand): 5'-GGGCAGCCTTCGCGCCCATCCCGCGGAGCCCGTTGCCCGCCGGTCCTTCGTCCTGCACCA[G>A]TCCCCGGAGCCCGCTGCCCGCGCCTCCCAGGCCCTTCCTCTACCGCCGCTCGCCCACGGA-3'
Protein context (NP_009217.3, residues 827-847): PLPAGPSSCT[Ser837Asn]PRSPLPAPPR